The following is an entry in ClinVar:

ClinVar aggregate classification (germline): Likely benign (1 of 4 stars; one submission).

Conditions:
VMA22-related condition.

gnomAD v4.1: 261 of 1,605,406 alleles (0.016%); highest among the groups gnomAD compares: Admixed American, 0.018%; no homozygotes.

Submission:

PreventionGenetics, part of Exact Sciences
Classification: Likely benign for VMA22-related condition. Last evaluated: 2026-02-10. Review status: criteria provided, single submitter. Criteria: ACMG Guidelines, 2015. Collection method: clinical testing. Allele origin: germline.
Comment: This variant is classified as likely benign based on ACMG/AMP sequence variant interpretation guidelines (Richards et al. 2015 PMID: 25741868, with internal and published modifications).

NM_032357.4(VMA22):c.*7C>T

Gene: VMA22 (vacuolar ATPase assembly factor VMA22; minus strand). Cytogenetic location: 2q21.1.
Variant type: single nucleotide variant.
Coding change: c.*7C>T on transcript NM_032357.4 (MANE Select); 7 bases downstream of the stop codon, C replaced by T.
Molecular consequence: 3 prime UTR variant. On other transcripts: non-coding transcript variant (2).
Genome position (GRCh38, 1-based): chr2:130,339,113, G>A on the plus strand (C>T on the coding strand, the complement: VMA22 is on the minus strand). VCF-style: chr2-130339113-G-A. GRCh37 (hg19) VCF-style: chr2-131096686-G-A.
Other names: c.*7C>T (NM_001321118.1, NM_001321119.2).
Identifiers: ClinVar variation 4986020 (VCV004986020.1).